The following is an entry in ClinVar:

ClinVar aggregate classification (germline): Uncertain significance (1 of 4 stars; one submission).

Conditions:
Early-infantile DEE. Also called: Early infantile epileptic encephalopathy with suppression bursts; Ohtahara syndrome; Early infantile epileptic encephalopathy. Identifiers: Orphanet 1934, MedGen C0393706, MONDO:0800491.

Allele frequency attached by ClinVar (database versions not stated): gnomAD exomes below 0.00001.
gnomAD v4.1: 1 of 1,613,970 alleles (0.000062%); highest among the groups gnomAD compares: Non-Finnish European, 0.000085%; no homozygotes.

Submission:

Labcorp Genetics (formerly Invitae), Labcorp
Classification: Uncertain significance for Early-infantile DEE. Last evaluated: 2020-02-26. Review status: criteria provided, single submitter. Criteria: Invitae Variant Classification Sherloc (09022015). Collection method: clinical testing. Allele origin: germline.
Comment: This variant has been observed in individual(s) affected with clinical features of early infantile epileptic encephalopathies (Invitae). Algorithms developed to predict the effect of missense changes on protein structure and function are either unavailable or do not agree on the potential impact of this missense change (SIFT: "Deleterious"; PolyPhen-2: "Benign"; Align-GVGD: "Class C15"). In summary, the available evidence is currently insufficient to determine the role of this variant in disease. Therefore, it has been classified as a Variant of Uncertain Significance. This variant is not present in population databases (ExAC no frequency). This sequence change replaces glutamic acid with alanine at codon 2469 of the SPTAN1 protein (p.Glu2469Ala). The glutamic acid residue is highly conserved and there is a moderate physicochemical difference between glutamic acid and alanine.

NM_001130438.3(SPTAN1):c.7406A>C (p.Glu2469Ala)

Gene: SPTAN1 (spectrin alpha, non-erythrocytic 1; plus strand). Cytogenetic location: 9q34.11.
Variant type: single nucleotide variant.
Coding change: c.7406A>C on transcript NM_001130438.3 (MANE Select); coding-DNA position 7406, A replaced by C.
Protein change: p.Glu2469Ala; replaces glutamic acid 2469 with alanine.
Molecular consequence: missense variant.
Genome position (GRCh38, 1-based): chr9:128,633,306, A>C. VCF-style: chr9-128633306-A-C. GRCh37 (hg19) VCF-style: chr9-131395585-A-C.
Other names: c.7331A>C, p.Glu2444Ala (NM_001195532.2); c.7469A>C, p.Glu2490Ala (NM_001363759.2); c.7346A>C, p.Glu2449Ala (NM_001363765.2, NM_001375314.2); c.7493A>C, p.Glu2498Ala (NM_001375310.1); c.7406A>C, p.Glu2469Ala (NM_001375311.2); c.7442A>C, p.Glu2481Ala (NM_001375312.2); c.7388A>C, p.Glu2463Ala (NM_001375313.1); c.7505A>C, p.Glu2502Ala (NM_001375318.1); and 1 more; short protein forms E2444A, E2449A, E2463A, E2464A, E2469A, E2481A, E2490A, E2498A.
Identifiers: ClinVar variation 1004442 (VCV001004442.10), dbSNP rs1860133867, ClinGen allele CA375103979.
Genomic context (GRCh38, chr9:128,633,306, plus strand): 5'-ACATGAAGCCCTACGTGGACGGCAAGGGCCGCGAGCTCCCCACCGCGTTCGACTACGTGG[A>C]GTTCACCCGCTCGCTTTTCGTGAACTGAGCCACTCCCTGGGTCACCCACCCCTCGCTGCT-3'
Protein context (NP_001123910.1, residues 2459-2477): RELPTAFDYV[Glu2469Ala]FTRSLFVN